The following is an entry in ClinVar:

NM_001330260.2(SCN8A):c.4413G>A (p.Lys1471=)

Gene: SCN8A (sodium voltage-gated channel alpha subunit 8; plus strand). Cytogenetic location: 12q13.13.
Variant type: single nucleotide variant.
Coding change: c.4413G>A on transcript NM_001330260.2 (MANE Select); coding-DNA position 4413, G replaced by A.
Protein change: p.Lys1471=; no amino-acid change (lysine 1471 retained).
Molecular consequence: synonymous variant.
Genome position (GRCh38, 1-based): chr12:51,789,412, G>A. VCF-style: chr12-51789412-G-A. GRCh37 (hg19) VCF-style: chr12-52183196-G-A.
Other names: c.4290G>A, p.Lys1430= (NM_001177984.3, NM_001369788.1); c.4413G>A, p.Lys1471= (NM_014191.4).
Identifiers: ClinVar variation 696799 (VCV000696799.15), dbSNP rs776485215, ClinGen allele CA6571801.
Genomic context (GRCh38, chr12:51,789,412, plus strand): 5'-CTCCTTCTTCACCCTGAACCTGTTCATTGGTGTCATCATTGATAACTTCAATCAACAAAA[G>A]AAAAAGATAGGTCTCCTCCCCTCATTGCCAGTGGTTGGAAGTCAGCCCAGATAAGAGGCA-3'
Protein context (NP_001317189.1, residues 1461-1481): GVIIDNFNQQ[Lys1471=]KKFGGQDIFM

ClinVar aggregate classification (germline): Likely benign. Review status: criteria provided, multiple submitters, no conflicts (2 of 4 stars). 3 submissions from 3 submitters: Likely benign (2). 1 of the submissions does not count toward it. Last evaluated 2025-08-12.

Conditions:
Early-infantile DEE. Also called: Early infantile epileptic encephalopathy with suppression bursts; Ohtahara syndrome; Early infantile epileptic encephalopathy. Identifiers: Orphanet 1934, MedGen C0393706, MONDO:0800491.
SCN8A-related disorder.

Allele frequency attached by ClinVar (database versions not stated): ExAC 0.00002; gnomAD 0.00002; gnomAD exomes 0.00002 and 0.00003; TOPMed 0.00003.
gnomAD v4.1: 18 of 1,613,540 alleles (0.0011%); highest among the groups gnomAD compares: Admixed American, 0.0033%; no homozygotes.

Submissions (3):

Labcorp Genetics (formerly Invitae), Labcorp
Classification: Likely benign for Early-infantile DEE. Last evaluated: 2025-08-12. Review status: criteria provided, single submitter. Criteria: Invitae Variant Classification Sherloc (09022015). Collection method: clinical testing. Allele origin: germline.

GeneDx
Classification: Likely benign. Last evaluated: 2021-03-08. Review status: criteria provided, single submitter. Criteria: GeneDx Variant Classification Process June 2021. Collection method: clinical testing. Allele origin: germline. Affected: yes.
Comment: Has not been previously published as pathogenic or benign to our knowledge; In-silico analysis, which includes splice predictors and evolutionary conservation, is inconclusive as to whether the variant alters gene splicing. In the absence of RNA/functional studies, the actual effect of this sequence change is unknown.

PreventionGenetics, part of Exact Sciences
Classification: Likely benign for SCN8A-related condition. Last evaluated: 2019-03-15. Review status: no assertion criteria provided. Collection method: clinical testing. Allele origin: germline. Not counted in ClinVar's aggregate classification.
Comment: This variant is classified as likely benign based on ACMG/AMP sequence variant interpretation guidelines (Richards et al. 2015 PMID: 25741868, with internal and published modifications).